The following is an entry in ClinVar:

ClinVar aggregate classification (germline): Uncertain significance (1 of 4 stars; one submission).

Conditions:
Exostoses, multiple, type 2 (EXT2). Also called: Hereditary Multiple Osteochondromatosis, Type II; EXOSTOSES, MULTIPLE, TYPE II. Identifiers: Orphanet 321, MedGen C1851413, MONDO:0007586, OMIM 133701.

Submission:

Labcorp Genetics (formerly Invitae), Labcorp
Classification: Uncertain significance for Exostoses, multiple, type 2. Last evaluated: 2023-05-04. Review status: criteria provided, single submitter. Criteria: Invitae Variant Classification Sherloc (09022015). Collection method: clinical testing. Allele origin: germline.
Comment: In summary, the available evidence is currently insufficient to determine the role of this variant in disease. Therefore, it has been classified as a Variant of Uncertain Significance. Advanced modeling of protein sequence and biophysical properties (such as structural, functional, and spatial information, amino acid conservation, physicochemical variation, residue mobility, and thermodynamic stability) performed at Invitae indicates that this missense variant is expected to disrupt EXT2 protein function. This variant has not been reported in the literature in individuals affected with EXT2-related conditions. This variant is not present in population databases (gnomAD no frequency). This sequence change replaces glycine, which is neutral and non-polar, with cysteine, which is neutral and slightly polar, at codon 214 of the EXT2 protein (p.Gly214Cys).

NM_207122.2(EXT2):c.640G>T (p.Gly214Cys)

Gene: EXT2 (exostosin glycosyltransferase 2; plus strand). Cytogenetic location: 11p11.2.
Variant type: single nucleotide variant.
Coding change: c.640G>T on transcript NM_207122.2 (MANE Select); coding-DNA position 640, G replaced by T.
Protein change: p.Gly214Cys; replaces glycine 214 with cysteine.
Molecular consequence: missense variant.
Genome position (GRCh38, 1-based): chr11:44,114,198, G>T. VCF-style: chr11-44114198-G-T. GRCh37 (hg19) VCF-style: chr11-44135748-G-T.
Other names: c.739G>T, p.Gly247Cys (NM_000401.3); c.640G>T, p.Gly214Cys (NM_001178083.3, NM_001389628.1, NM_001389630.1); short protein forms G214C, G247C.
Identifiers: ClinVar variation 2909780 (VCV002909780.3), dbSNP rs550761834, ClinGen allele CA380164232.